The following is an entry in ClinVar:

NM_000465.4(BARD1):c.643A>G (p.Asn215Asp)

Gene: BARD1 (BRCA1 associated RING domain 1; minus strand). Cytogenetic location: 2q35.
Variant type: single nucleotide variant.
Coding change: c.643A>G on transcript NM_000465.4 (MANE Select); coding-DNA position 643, A replaced by G.
Protein change: p.Asn215Asp; replaces asparagine 215 with aspartic acid.
Molecular consequence: missense variant. On other transcripts: non-coding transcript variant (2), intron variant (3).
Genome position (GRCh38, 1-based): chr2:214,781,231, T>C on the plus strand (A>G on the coding strand, the complement: BARD1 is on the minus strand). VCF-style: chr2-214781231-T-C. GRCh37 (hg19) VCF-style: chr2-215645955-T-C.
Other names: c.586A>G, p.Asn196Asp (NM_001282543.2); c.158+28181A>G (NM_001282548.2); c.215+15830A>G (NM_001282545.2); c.364+11066A>G (NM_001282549.2); short protein forms N215D, N196D.
Identifiers: ClinVar variation 2767089 (VCV002767089.3), dbSNP rs864622353, ClinGen allele CA350456614.
Genomic context (GRCh38, chr2:214,781,231, plus strand): 5'-ATTCCTCTTTGGAGTCAAATTCACCATCTTCTTTTTCTGCCTCTAAATTCCATTTTTGGT[T>C]GATTTCAGCTAAAGTTTTCTTTTTTTGCTTTTTTCCAGATCTTGCAGAAGCCTTTTTAGC-3'
Protein context (NP_000456.2, residues 205-225): KQKKKTLAEI[Asn215Asp]QKWNLEAEKE

ClinVar aggregate classification (germline): Uncertain significance (1 of 4 stars; one submission).

Conditions:
Familial cancer of breast. Also called: Hereditary breast cancer; BREAST CANCER, FAMILIAL; hereditary breast carcinoma. Identifiers: Orphanet 227535, MedGen C0346153, MONDO:0016419, OMIM 114480. Disease mechanism: loss of function.

Submission:

Labcorp Genetics (formerly Invitae), Labcorp
Classification: Uncertain significance for Familial cancer of breast. Last evaluated: 2023-10-09. Review status: criteria provided, single submitter. Criteria: Invitae Variant Classification Sherloc (09022015). Collection method: clinical testing. Allele origin: germline.
Comment: This sequence change replaces asparagine, which is neutral and polar, with aspartic acid, which is acidic and polar, at codon 215 of the BARD1 protein (p.Asn215Asp). This variant is not present in population databases (gnomAD no frequency). This variant has not been reported in the literature in individuals affected with BARD1-related conditions. An algorithm developed to predict the effect of missense changes on protein structure and function (PolyPhen-2) suggests that this variant is likely to be disruptive. In summary, the available evidence is currently insufficient to determine the role of this variant in disease. Therefore, it has been classified as a Variant of Uncertain Significance.